The following is an entry in ClinVar:

ClinVar aggregate classification (germline): Uncertain significance (1 of 4 stars; one submission).

Allele frequency attached by ClinVar (database versions not stated): gnomAD exomes below 0.00001.

Submission:

Labcorp Genetics (formerly Invitae), Labcorp
Classification: Uncertain significance. Last evaluated: 2021-04-06. Review status: criteria provided, single submitter. Criteria: Invitae Variant Classification Sherloc (09022015). Collection method: clinical testing. Allele origin: germline.
Comment: This sequence change replaces asparagine with serine at codon 1725 of the CACNA1D protein (p.Asn1725Ser). The asparagine residue is moderately conserved and there is a small physicochemical difference between asparagine and serine. This variant is not present in population databases (ExAC no frequency). This variant has not been reported in the literature in individuals with CACNA1D-related conditions. Algorithms developed to predict the effect of missense changes on protein structure and function (SIFT, PolyPhen-2, Align-GVGD) all suggest that this variant is likely to be tolerated, but these predictions have not been confirmed by published functional studies and their clinical significance is uncertain. In summary, the available evidence is currently insufficient to determine the role of this variant in disease. Therefore, it has been classified as a Variant of Uncertain Significance.

NM_001128840.3(CACNA1D):c.5114A>G (p.Asn1705Ser)

Gene: CACNA1D (calcium voltage-gated channel subunit alpha1 D; plus strand). Cytogenetic location: 3p21.1.
Variant type: single nucleotide variant.
Coding change: c.5114A>G on transcript NM_001128840.3 (MANE Select); coding-DNA position 5114, A replaced by G.
Protein change: p.Asn1705Ser; replaces asparagine 1705 with serine.
Molecular consequence: missense variant.
Genome position (GRCh38, 1-based): chr3:53,801,131, A>G. VCF-style: chr3-53801131-A-G. GRCh37 (hg19) VCF-style: chr3-53835158-A-G.
Other names: c.5174A>G, p.Asn1725Ser (NM_000720.4); c.5069A>G, p.Asn1690Ser (NM_001128839.3); short protein forms N1725S, N1690S, N1705S.
Identifiers: ClinVar variation 1462560 (VCV001462560.8), dbSNP rs1233874355, ClinGen allele CA353249962.